The following is an entry in ClinVar:

ClinVar aggregate classification (germline): Uncertain significance (1 of 4 stars; one submission).

Conditions:
ENHANCED S-CONE SYNDROME 1 (ESCS1). Also called: RETINOSCHISIS WITH EARLY HEMERALOPIA; FAVRE HYALOIDEORETINAL DEGENERATION. Identifiers: MedGen CN380299, OMIM 268100.

gnomAD v4.1: 2 of 1,550,692 alleles (0.00013%); highest among the groups gnomAD compares: Non-Finnish European, 0.00017%; no homozygotes.

Submission:

Myriad Genetics, Inc.
Classification: Uncertain significance for ENHANCED S-CONE SYNDROME 1. Last evaluated: 2026-02-25. Review status: criteria provided, single submitter. Criteria: Myriad Autosomal Dominant, Autosomal Recessive and X-Linked Classification Criteria (2023). Collection method: clinical testing. Allele origin: unknown.
Comment: NM_014249.2(NR2E3):c.360C>G(N120K) is a missense variant classified as a variant of uncertain significance in the context of enhanced S-cone syndrome. N120K has not been observed in cases with relevant disease. Relevant functional assessments of this variant are not available in the literature. N120K has not been observed in referenced population frequency databases. In summary, there is insufficient evidence to classify NM_014249.2(NR2E3):c.360C>G(N120K) as pathogenic or benign. Please note: this variant was assessed in the context of healthy population screening.

NM_014249.4(NR2E3):c.360C>G (p.Asn120Lys)

Gene: NR2E3 (nuclear receptor subfamily 2 group E member 3; plus strand). Cytogenetic location: 15q23.
Variant type: single nucleotide variant.
Coding change: c.360C>G on transcript NM_014249.4 (MANE Select); coding-DNA position 360, C replaced by G.
Protein change: p.Asn120Lys; replaces asparagine 120 with lysine.
Molecular consequence: missense variant.
Genome position (GRCh38, 1-based): chr15:71,811,965, C>G. VCF-style: chr15-71811965-C-G. GRCh37 (hg19) VCF-style: chr15-72104305-C-G.
Other names: c.360C>G, p.Asn120Lys (NM_016346.4); short protein forms N120K.
Identifiers: ClinVar variation 5003532 (VCV005003532.1).
Genomic context (GRCh38, chr15:71,811,965, plus strand): 5'-AAATGGGCAGCGGGACTGGCGTGTCGTCCTGACCCTTCCTGCCTCCCCAGCCGTGCAGAA[C>G]GAGCGCCAGCCGCGAAGCACAGCCCAGGTCCACCTGGACAGCATGGAGTCCAACACTGAG-3'
Protein context (NP_055064.1, residues 110-130): QAGMNQDAVQ[Asn120Lys]ERQPRSTAQV